The following is an entry in ClinVar:

NM_000179.3(MSH6):c.2827G>A (p.Asp943Asn)

Gene: MSH6 (mutS homolog 6; plus strand). Cytogenetic location: 2p16.3.
Variant type: single nucleotide variant.
Coding change: c.2827G>A on transcript NM_000179.3 (MANE Select); coding-DNA position 2827, G replaced by A.
Protein change: p.Asp943Asn; replaces aspartic acid 943 with asparagine.
Molecular consequence: missense variant.
Genome position (GRCh38, 1-based): chr2:47,800,810, G>A. VCF-style: chr2-47800810-G-A. GRCh37 (hg19) VCF-style: chr2-48027949-G-A.
Other names: c.2437G>A, p.Asp813Asn (NM_001281492.2); c.1921G>A, p.Asp641Asn (NM_001281493.2, NM_001281494.2, NM_001406811.1 and 6 more transcripts); c.2923G>A, p.Asp975Asn (NM_001406795.1, NM_001406802.1); c.2827G>A, p.Asp943Asn (NM_001406796.1, NM_001406798.1, NM_001406800.1 and 2 more transcripts); c.2530G>A, p.Asp844Asn (NM_001406797.1, NM_001406801.1, NM_001406805.1 and 10 more transcripts); c.2302G>A, p.Asp768Asn (NM_001406799.1, NM_001406806.1, NM_001406807.1); c.2749G>A, p.Asp917Asn (NM_001406804.1); c.2833G>A, p.Asp945Asn (NM_001406813.1); and 2 more; short protein forms D813N, D975N, D768N, D844N, D943N, D258N, D641N, D887N.
Identifiers: ClinVar variation 1796515 (VCV001796515.3), dbSNP rs143520357, ClinGen allele CA346755695.
Genomic context (GRCh38, chr2:47,800,810, plus strand): 5'-AAGACTGGACTTATTACTCCCAAAGCAGGCTTTGACTCTGATTATGACCAAGCTCTTGCT[G>A]ACATAAGAGAAAATGAACAGAGCCTCCTGGAATACCTAGAGAAACAGCGCAACAGAATTG-3'
Protein context (NP_000170.1, residues 933-953): FDSDYDQALA[Asp943Asn]IRENEQSLLE

ClinVar aggregate classification (germline): Uncertain significance (1 of 4 stars; one submission).

Conditions:
Hereditary cancer-predisposing syndrome. Also called: Tumor predisposition; Hereditary Cancer Syndrome; Neoplastic Syndromes, Hereditary; Hereditary neoplastic syndrome. Identifiers: Orphanet 140162, MedGen C0027672, MeSH D009386, MONDO:0015356.

Submission:

Ambry Genetics
Classification: Uncertain significance for Hereditary cancer-predisposing syndrome. Last evaluated: 2025-03-27. Review status: criteria provided, single submitter. Criteria: Ambry Variant Classification Scheme 2023. Collection method: clinical testing. Allele origin: germline.
Comment: The p.D943N variant (also known as c.2827G>A), located in coding exon 4 of the MSH6 gene, results from a G to A substitution at nucleotide position 2827. The aspartic acid at codon 943 is replaced by asparagine, an amino acid with highly similar properties. This amino acid position is not well conserved in available vertebrate species. In addition, the in silico prediction for this alteration is inconclusive. Since supporting evidence is limited at this time, the clinical significance of this alteration remains unclear.